The following is an entry in ClinVar:

NM_001447.3(FAT2):c.6349C>T (p.Arg2117Ter)

Genes: FAT2 (FAT atypical cadherin 2; minus strand), SLC36A1 (solute carrier family 36 member 1; plus strand). Cytogenetic location: 5q33.1.
Variant type: single nucleotide variant.
Coding change: c.6349C>T on transcript NM_001447.3 (MANE Select); coding-DNA position 6349, C replaced by T.
Protein change: p.Arg2117Ter; replaces arginine 2117 with a stop codon.
Molecular consequence: nonsense.
Genome position (GRCh38, 1-based): chr5:151,544,778, G>A on the plus strand (C>T on the coding strand, the complement: FAT2 is on the minus strand). VCF-style: chr5-151544778-G-A. GRCh37 (hg19) VCF-style: chr5-150924339-G-A.
Other names: short protein forms R2117*.
Identifiers: ClinVar variation 3680614 (VCV003680614.2).

ClinVar aggregate classification (germline): Uncertain significance (1 of 4 stars; one submission).

gnomAD v4.1: 8 of 1,614,006 alleles (0.0005%); highest among the groups gnomAD compares: Non-Finnish European, 0.00068%; no homozygotes.

Submission:

Labcorp Genetics (formerly Invitae), Labcorp
Classification: Uncertain significance. Last evaluated: 2025-01-24. Review status: criteria provided, single submitter. Criteria: Invitae Variant Classification Sherloc (09022015). Collection method: clinical testing. Allele origin: germline.
Comment: This sequence change creates a premature translational stop signal (p.Arg2117*) in the FAT2 gene. It is expected to result in an absent or disrupted protein product. However, the current clinical and genetic evidence is not sufficient to establish whether loss-of-function variants in FAT2 cause disease. This variant is present in population databases (rs753274186, gnomAD 0.002%). This variant has not been reported in the literature in individuals affected with FAT2-related conditions. In summary, the available evidence is currently insufficient to determine the role of this variant in disease. Therefore, it has been classified as a Variant of Uncertain Significance.